The following is an entry in ClinVar:

ClinVar aggregate classification (germline): Uncertain significance (1 of 4 stars; one submission).

Submission:

GeneDx
Classification: Uncertain significance. Last evaluated: 2023-12-21. Review status: criteria provided, single submitter. Criteria: GeneDx Variant Classification Process June 2021. Collection method: clinical testing. Allele origin: germline. Affected: yes.
Comment: Not observed at significant frequency in large population cohorts (gnomAD); In silico analysis supports that this missense variant does not alter protein structure/function; Has not been previously published as pathogenic or benign to our knowledge

NM_201599.3(ZMYM3):c.2894T>C (p.Leu965Pro)

Gene: ZMYM3 (zinc finger MYM-type containing 3; minus strand). Cytogenetic location: Xq13.1.
Variant type: single nucleotide variant.
Coding change: c.2894T>C on transcript NM_201599.3 (MANE Select); coding-DNA position 2894, T replaced by C.
Protein change: p.Leu965Pro; replaces leucine 965 with proline.
Molecular consequence: missense variant.
Genome position (GRCh38, 1-based): chrX:71,245,452, A>G on the plus strand (T>C on the coding strand, the complement: ZMYM3 is on the minus strand). VCF-style: chrX-71245452-A-G. GRCh37 (hg19) VCF-style: chrX-70465302-A-G.
Other names: c.2858T>C, p.Leu953Pro (NM_001171162.1); c.2894T>C, p.Leu965Pro (NM_005096.3); short protein forms L953P, L965P.
Identifiers: ClinVar variation 3365879 (VCV003365879.1).